The following is an entry in ClinVar:

NM_015910.7(WDPCP):c.798C>T (p.Leu266=)

Gene: WDPCP (WD repeat containing planar cell polarity effector; minus strand). Cytogenetic location: 2p15.
Variant type: single nucleotide variant.
Coding change: c.798C>T on transcript NM_015910.7 (MANE Select); coding-DNA position 798, C replaced by T.
Protein change: p.Leu266=; no amino-acid change (leucine 266 retained).
Molecular consequence: synonymous variant. On other transcripts: non-coding transcript variant (3).
Genome position (GRCh38, 1-based): chr2:63,433,772, G>A on the plus strand (C>T on the coding strand, the complement: WDPCP is on the minus strand). VCF-style: chr2-63433772-G-A. GRCh37 (hg19) VCF-style: chr2-63660906-G-A.
Other names: c.321C>T, p.Leu107= (NM_001042692.3); c.726C>T, p.Leu242= (NM_001354044.2); c.798C>T, p.Leu266= (NM_001354045.2); c.798C>T (NM_015910.5).
Identifiers: ClinVar variation 2181822 (VCV002181822.5), dbSNP rs746884820, ClinGen allele CA1682349.

ClinVar aggregate classification (germline): Likely benign. Review status: criteria provided, single submitter (1 of 4 stars). 2 submissions from 2 submitters: Likely benign (1). 1 of the submissions does not count toward it. Last evaluated 2022-08-12.

Conditions:
WDPCP-related disorder. Also called: WDPCP-related condition.
Bardet-Biedl syndrome (BBS). Identifiers: Orphanet 110, MedGen C0752166, MONDO:0015229.

Allele frequency attached by ClinVar (database versions not stated): gnomAD exomes below 0.00001; gnomAD 0.00001; TOPMed 0.00001; ExAC 0.00002.
gnomAD v4.1: 4 of 1,613,478 alleles (0.00025%); highest among the groups gnomAD compares: Admixed American, 0.0017%; no homozygotes.

Submissions (2):

Labcorp Genetics (formerly Invitae), Labcorp
Classification: Likely benign for Bardet-Biedl syndrome. Last evaluated: 2022-08-12. Review status: criteria provided, single submitter. Criteria: Invitae Variant Classification Sherloc (09022015). Collection method: clinical testing. Allele origin: germline.

PreventionGenetics, part of Exact Sciences
Classification: Likely benign for WDPCP-related condition. Last evaluated: 2022-03-22. Review status: no assertion criteria provided. Collection method: clinical testing. Allele origin: germline. Not counted in ClinVar's aggregate classification.
Comment: This variant is classified as likely benign based on ACMG/AMP sequence variant interpretation guidelines (Richards et al. 2015 PMID: 25741868, with internal and published modifications).